The following is an entry in ClinVar:

NM_133372.3(FNIP1):c.3135A>G (p.Ala1045=)

Gene: FNIP1 (folliculin interacting protein 1; minus strand). Cytogenetic location: 5q31.1.
Variant type: single nucleotide variant.
Coding change: c.3135A>G on transcript NM_133372.3 (MANE Select); coding-DNA position 3135, A replaced by G.
Protein change: p.Ala1045=; no amino-acid change (alanine 1045 retained).
Molecular consequence: synonymous variant.
Genome position (GRCh38, 1-based): chr5:131,651,973, T>C on the plus strand (A>G on the coding strand, the complement: FNIP1 is on the minus strand). VCF-style: chr5-131651973-T-C. GRCh37 (hg19) VCF-style: chr5-130987666-T-C.
Other names: c.3051A>G, p.Ala1017= (NM_001008738.3); c.3000A>G, p.Ala1000= (NM_001346114.2).
Identifiers: ClinVar variation 2194285 (VCV002194285.6), dbSNP rs143682385, ClinGen allele CA3400386.

ClinVar aggregate classification (germline): Likely benign. Review status: criteria provided, multiple submitters, no conflicts (2 of 4 stars). 2 submissions from 2 submitters: Likely benign (2). Last evaluated 2026-06-01.

Allele frequency attached by ClinVar (database versions not stated): gnomAD exomes 0.00005; ExAC 0.00012; gnomAD 0.00047; TOPMed 0.00050; ESP Exome Variant Server 0.00077.
gnomAD v4.1: 142 of 1,613,674 alleles (0.0088%); highest among the groups gnomAD compares: African/African-American, 0.17%; no homozygotes.

Submissions (2):

CeGaT Center for Human Genetics Tuebingen
Classification: Likely benign. Last evaluated: 2026-06-01. Review status: criteria provided, single submitter. Criteria: CeGaT Center For Human Genetics Tuebingen Variant Classification Criteria Version 2. Collection method: clinical testing. Allele origin: germline. Affected: yes. Observed: 1 variant allele.
Comment: FNIP1: BP4

Labcorp Genetics (formerly Invitae), Labcorp
Classification: Likely benign. Last evaluated: 2026-01-05. Review status: criteria provided, single submitter. Criteria: Invitae Variant Classification Sherloc (09022015). Collection method: clinical testing. Allele origin: germline.